The following is an entry in ClinVar:

ClinVar aggregate classification (germline): Conflicting classifications of pathogenicity. Review status: criteria provided, conflicting classifications (1 of 4 stars). 6 submissions from 4 submitters: Uncertain significance (4); Benign (1); Likely benign (1). Last evaluated 2026-02-25.

Conditions:
Charcot-Marie-Tooth disease axonal type 2X. Also called: CHARCOT-MARIE-TOOTH DISEASE, AXONAL, AUTOSOMAL RECESSIVE, TYPE 2X; CHARCOT-MARIE-TOOTH NEUROPATHY, TYPE 2X. Identifiers: Orphanet 466775, MedGen C5569024, MONDO:0014726, OMIM 616668.
Amyotrophic lateral sclerosis type 5 (ALS5). Also called: AMYOTROPHIC LATERAL SCLEROSIS 5, JUVENILE. Identifiers: Orphanet 300605, MedGen C1865864, MONDO:0011196, OMIM 602099.
Hereditary spastic paraplegia 11. Also called: SPASTIC PARAPLEGIA, AUTOSOMAL RECESSIVE, COMPLICATED, WITH THIN CORPUS CALLOSUM; SPASTIC PARAPLEGIA, AUTOSOMAL RECESSIVE, WITH MENTAL IMPAIRMENT AND THIN CORPUS CALLOSUM; Spastic Paraplegia 11; Nakamura Osame syndrome; Autosomal recessive hereditary spastic paraplegia, mental impairment, and thin corpus callosum; Spastic paraplegia, mental retardation and thin corpus callosum. Identifiers: Orphanet 2822, MedGen C1858479, MONDO:0011445, OMIM 604360.
SPG11-related disorder. Also called: SPG11-related condition.
Hereditary spastic paraplegia. Also called: Familial spastic paraparesis. Identifiers: Orphanet 685, MedGen C0037773, MONDO:0019064. Disease mechanism: loss of function.

Allele frequency attached by ClinVar (database versions not stated): TOPMed below 0.00001; gnomAD 0.00002; ExAC 0.00004; gnomAD exomes 0.00004 and 0.00007.
gnomAD v4.1: 68 of 1,613,924 alleles (0.0042%); highest among the groups gnomAD compares: South Asian, 0.071%; no homozygotes.

Submissions (6):

PreventionGenetics, part of Exact Sciences
Classification: Likely benign for SPG11-related condition. Last evaluated: 2026-02-25. Review status: criteria provided, single submitter. Criteria: ACMG Guidelines, 2015. Collection method: clinical testing. Allele origin: germline.
Comment: This variant is classified as likely benign based on ACMG/AMP sequence variant interpretation guidelines (Richards et al. 2015 PMID: 25741868, with internal and published modifications).

Labcorp Genetics (formerly Invitae), Labcorp
Classification: Benign for Hereditary spastic paraplegia 11. Last evaluated: 2026-01-21. Review status: criteria provided, single submitter. Criteria: Invitae Variant Classification Sherloc (09022015). Collection method: clinical testing. Allele origin: germline.

Genome Diagnostics Laboratory, The Hospital for Sick Children
Classification: Uncertain significance for Hereditary spastic paraplegia. Last evaluated: 2020-11-03. Review status: criteria provided, single submitter. Criteria: ACMG Guidelines, 2015. Collection method: clinical testing. Allele origin: germline. Affected: yes.

Genome-Nilou Lab
Classification: Uncertain significance for Amyotrophic lateral sclerosis type 5. Review status: criteria provided, single submitter. Criteria: ACMG Guidelines, 2015. Collection method: clinical testing. Allele origin: germline.

Genome-Nilou Lab
Classification: Uncertain significance for Charcot-Marie-Tooth disease axonal type 2X. Review status: criteria provided, single submitter. Criteria: ACMG Guidelines, 2015. Collection method: clinical testing. Allele origin: germline.

Genome-Nilou Lab
Classification: Uncertain significance for Hereditary spastic paraplegia 11. Review status: criteria provided, single submitter. Criteria: ACMG Guidelines, 2015. Collection method: clinical testing. Allele origin: germline.

NM_025137.4(SPG11):c.3648G>A (p.Leu1216=)

Gene: SPG11 (SPG11 vesicle trafficking associated, spatacsin; minus strand). Cytogenetic location: 15q21.1.
Variant type: single nucleotide variant.
Coding change: c.3648G>A on transcript NM_025137.4 (MANE Select); coding-DNA position 3648, G replaced by A.
Protein change: p.Leu1216=; no amino-acid change (leucine 1216 retained).
Molecular consequence: synonymous variant.
Genome position (GRCh38, 1-based): chr15:44,600,505, C>T on the plus strand (G>A on the coding strand, the complement: SPG11 is on the minus strand). VCF-style: chr15-44600505-C-T. GRCh37 (hg19) VCF-style: chr15-44892703-C-T.
Other names: c.3648G>A, p.Leu1216= (NM_001160227.2).
Identifiers: ClinVar variation 1344090 (VCV001344090.13), dbSNP rs370282739, ClinGen allele CA7534883.